The following is an entry in ClinVar:

ClinVar aggregate classification (germline): Uncertain significance (1 of 4 stars; one submission).

Conditions:
Hereditary cancer-predisposing syndrome. Also called: Tumor predisposition; Hereditary neoplastic syndrome; Hereditary Cancer Syndrome; Neoplastic Syndromes, Hereditary. Identifiers: Orphanet 140162, MedGen C0027672, MeSH D009386, MONDO:0015356.

Allele frequency attached by ClinVar (database versions not stated): gnomAD exomes below 0.00001; ExAC 0.00001.
gnomAD v4.1: 1 of 1,614,054 alleles (0.000062%); no homozygotes.

Submission:

Ambry Genetics
Classification: Uncertain significance for Hereditary cancer-predisposing syndrome. Last evaluated: 2024-01-30. Review status: criteria provided, single submitter. Criteria: Ambry Variant Classification Scheme 2023. Collection method: clinical testing. Allele origin: germline.
Comment: The p.D1077V variant (also known as c.3230A>T), located in coding exon 23 of the MSH3 gene, results from an A to T substitution at nucleotide position 3230. The aspartic acid at codon 1077 is replaced by valine, an amino acid with highly dissimilar properties. This amino acid position is conserved. In addition, the in silico prediction for this alteration is inconclusive. Based on the available evidence, the clinical significance of this alteration remains unclear.

NM_002439.5(MSH3):c.3230A>T (p.Asp1077Val)

Gene: MSH3 (mutS homolog 3; plus strand). Cytogenetic location: 5q14.1.
Variant type: single nucleotide variant.
Coding change: c.3230A>T on transcript NM_002439.5 (MANE Select); coding-DNA position 3230, A replaced by T.
Protein change: p.Asp1077Val; replaces aspartic acid 1077 with valine.
Molecular consequence: missense variant.
Genome position (GRCh38, 1-based): chr5:80,873,215, A>T. VCF-style: chr5-80873215-A-T. GRCh37 (hg19) VCF-style: chr5-80169034-A-T.
Other names: short protein forms D1077V.
Identifiers: ClinVar variation 3222290 (VCV003222290.1), dbSNP rs773474817, ClinGen allele CA3328488.